The following is an entry in ClinVar:

NM_000548.5(TSC2):c.3561G>A (p.Val1187=)

Gene: TSC2 (TSC complex subunit 2; plus strand). Cytogenetic location: 16p13.3.
Variant type: single nucleotide variant.
Coding change: c.3561G>A on transcript NM_000548.5 (MANE Select); coding-DNA position 3561, G replaced by A.
Protein change: p.Val1187=; no amino-acid change (valine 1187 retained).
Molecular consequence: synonymous variant.
Genome position (GRCh38, 1-based): chr16:2,080,328, G>A. VCF-style: chr16-2080328-G-A. GRCh37 (hg19) VCF-style: chr16-2130329-G-A.
Other names: c.2829G>A, p.Val943= (NM_001318831.2); c.3462G>A, p.Val1154= (NM_001318832.2); c.3432G>A, p.Val1144= (NM_001363528.2, NM_001370405.1, NM_021055.3); c.3429G>A, p.Val1143= (NM_001370404.1, NM_001077183.3); c.3561G>A, p.Val1187= (NM_001114382.3); c.3321G>A, p.Val1107= (NM_001318827.2); c.3285G>A, p.Val1095= (NM_001318829.2).
Identifiers: ClinVar variation 1571584 (VCV001571584.11), dbSNP rs2151461210, ClinGen allele CA493043078.

ClinVar aggregate classification (germline): Benign/Likely benign. Review status: criteria provided, multiple submitters, no conflicts (2 of 4 stars). 3 submissions from 3 submitters: Benign (1); Likely benign (2). Last evaluated 2025-05-29.

Conditions:
Tuberous sclerosis 2 (TSC2). Identifiers: Orphanet 805, MedGen C1860707, MONDO:0013199, OMIM 613254.
Hereditary cancer-predisposing syndrome. Also called: Neoplastic Syndromes, Hereditary; Tumor predisposition; Hereditary Cancer Syndrome; Hereditary neoplastic syndrome. Identifiers: Orphanet 140162, MedGen C0027672, MeSH D009386, MONDO:0015356.

Submissions (3):

Myriad Genetics, Inc.
Classification: Benign for Tuberous sclerosis 2. Last evaluated: 2025-05-29. Review status: criteria provided, single submitter. Criteria: Myriad Autosomal Dominant, Autosomal Recessive and X-Linked Classification Criteria (2023). Collection method: clinical testing. Allele origin: unknown.
Comment: This variant is considered benign. This variant is a silent/synonymous amino acid change and it is not expected to impact splicing.

Labcorp Genetics (formerly Invitae), Labcorp
Classification: Likely benign for Tuberous sclerosis 2. Last evaluated: 2023-03-19. Review status: criteria provided, single submitter. Criteria: Invitae Variant Classification Sherloc (09022015). Collection method: clinical testing. Allele origin: germline.

Ambry Genetics
Classification: Likely benign for Hereditary cancer-predisposing syndrome. Last evaluated: 2020-06-04. Review status: criteria provided, single submitter. Criteria: Ambry Variant Classification Scheme 2023. Collection method: clinical testing. Allele origin: germline.